The following is an entry in ClinVar:

NM_005419.4(STAT2):c.759C>T (p.His253=)

Gene: STAT2 (signal transducer and activator of transcription 2; minus strand). Cytogenetic location: 12q13.3.
Variant type: single nucleotide variant.
Coding change: c.759C>T on transcript NM_005419.4 (MANE Select); coding-DNA position 759, C replaced by T.
Protein change: p.His253=; no amino-acid change (histidine 253 retained).
Molecular consequence: synonymous variant.
Genome position (GRCh38, 1-based): chr12:56,354,489, G>A on the plus strand (C>T on the coding strand, the complement: STAT2 is on the minus strand). VCF-style: chr12-56354489-G-A. GRCh37 (hg19) VCF-style: chr12-56748273-G-A.
Other names: c.747C>T, p.His249= (NM_198332.2).
Identifiers: ClinVar variation 403494 (VCV000403494.43), dbSNP rs147605088, ClinGen allele CA6630771.

ClinVar aggregate classification (germline): Benign/Likely benign. Review status: criteria provided, multiple submitters, no conflicts (2 of 4 stars). 8 submissions from 8 submitters: Benign (1); Likely benign (4). 3 of the submissions do not count toward it. Last evaluated 2026-05-01.

Conditions:
STAT2-related disorder. Also called: STAT2-related condition.
Primary immunodeficiency with post-measles-mumps-rubella vaccine viral infection. Also called: Immunodeficiency 44. Identifiers: Orphanet 431166, MedGen C4225260, MONDO:0014715, OMIM 616636.

Allele frequency attached by ClinVar (database versions not stated): gnomAD 0.00169 and 0.00162; ExAC 0.00185; gnomAD exomes 0.00209 and 0.00229; TOPMed 0.00237; 1000 Genomes Project 0.00060; 1000 Genomes Project 30x 0.00062; ESP Exome Variant Server 0.00115.
gnomAD v4.1: 3,623 of 1,614,188 alleles (0.22%); highest among the groups gnomAD compares: Admixed American, 0.39%; 10 homozygotes.

Submissions (8):

CeGaT Center for Human Genetics Tuebingen
Classification: Likely benign. Last evaluated: 2026-05-01. Review status: criteria provided, single submitter. Criteria: CeGaT Center For Human Genetics Tuebingen Variant Classification Criteria Version 2. Collection method: clinical testing. Allele origin: germline. Affected: yes. Observed: 5 variant alleles.
Comment: STAT2: BP4, BP7

Labcorp Genetics (formerly Invitae), Labcorp
Classification: Benign for Primary immunodeficiency with post-measles-mumps-rubella vaccine viral infection. Last evaluated: 2026-02-01. Review status: criteria provided, single submitter. Criteria: Invitae Variant Classification Sherloc (09022015). Collection method: clinical testing. Allele origin: germline.

Blueprint Genetics
Classification: Likely benign. Last evaluated: 2024-11-23. Review status: criteria provided, single submitter. Criteria: ACMG Guidelines, 2015. Collection method: clinical testing. Allele origin: germline.

Laboratory for Molecular Medicine, Mass General Brigham Personalized Medicine
Classification: Likely benign. Last evaluated: 2016-03-29. Review status: criteria provided, single submitter. Criteria: LMM Criteria. Collection method: clinical testing. Allele origin: germline.
Comment: Variant identified in a genome or exome case(s) and assessed due to predicted null impact of the variant or pathogenic assertions in the literature or databases. Disclaimer: This variant has not undergone full assessment. The following are preliminary notes: LOF variant in this gene associated with decreased antiviral immunity. Not enough evidence for this variant to go above VUS.

Breakthrough Genomics
Classification: Likely benign. Review status: criteria provided, single submitter. Criteria: ACMG Guidelines, 2015. Collection method: not provided. Allele origin: germline. Inheritance: Autosomal recessive inheritance. Affected: yes.

PreventionGenetics, part of Exact Sciences
Classification: Likely benign for STAT2-related condition. Last evaluated: 2019-09-23. Review status: no assertion criteria provided. Collection method: clinical testing. Allele origin: germline. Not counted in ClinVar's aggregate classification.
Comment: This variant is classified as likely benign based on ACMG/AMP sequence variant interpretation guidelines (Richards et al. 2015 PMID: 25741868, with internal and published modifications).

Clinical Genetics DNA and cytogenetics Diagnostics Lab, Erasmus MC, Erasmus Medical Center
Classification: Likely benign. Review status: no assertion criteria provided. Collection method: clinical testing. Allele origin: germline. Affected: yes. Study: VKGL Data-share Consensus. Not counted in ClinVar's aggregate classification.

Genome Diagnostics Laboratory, University Medical Center Utrecht
Classification: Likely benign. Review status: no assertion criteria provided. Collection method: clinical testing. Allele origin: germline. Affected: yes. Study: VKGL Data-share Consensus. Not counted in ClinVar's aggregate classification.